The following is an entry in ClinVar:

NM_001130823.3(DNMT1):c.332A>T (p.Asn111Ile)

Gene: DNMT1 (DNA methyltransferase 1; minus strand). Cytogenetic location: 19p13.2.
Variant type: single nucleotide variant.
Coding change: c.332A>T on transcript NM_001130823.3 (MANE Select); coding-DNA position 332, A replaced by T.
Protein change: p.Asn111Ile; replaces asparagine 111 with isoleucine.
Molecular consequence: missense variant. On other transcripts: 5 prime UTR variant (1).
Genome position (GRCh38, 1-based): chr19:10,180,463, T>A on the plus strand (A>T on the coding strand, the complement: DNMT1 is on the minus strand). VCF-style: chr19-10180463-T-A. GRCh37 (hg19) VCF-style: chr19-10291139-T-A.
Other names: c.332A>T, p.Asn111Ile (NM_001318730.2, NM_001379.4); c.-32A>T (NM_001318731.2); short protein forms N111I.
Identifiers: ClinVar variation 2807481 (VCV002807481.3), dbSNP rs906790753, ClinGen allele CA403946389.
Genomic context (GRCh38, chr19:10,180,463, plus strand): 5'-GGTTTGGGGGGGCTGTTGGCATCTGCCATTCCCACTCTACGGGCTTCACTTCTTGCTTGG[T>A]TCCCGTTTTCTAGACGTCCATTCACTTCCCGGTTGTAAGCATGAGCACCGTTCTCCAAGG-3'
Protein context (NP_001124295.1, residues 101-121): REVNGRLENG[Asn111Ile]QARSEARRVG

ClinVar aggregate classification (germline): Uncertain significance (1 of 4 stars; one submission).

Conditions:
Hereditary sensory neuropathy-deafness-dementia syndrome. Also called: NEUROPATHY, HEREDITARY SENSORY, WITH HEARING LOSS AND DEMENTIA; Hereditary Sensory and Autonomic Neuropathy Type 1E (HSAN1E); HSN IE; Hereditary sensory neuropathy type IE. Identifiers: Orphanet 456318, MedGen C3279885, MONDO:0013584, OMIM 614116.

Submission:

Labcorp Genetics (formerly Invitae), Labcorp
Classification: Uncertain significance for Hereditary sensory neuropathy-deafness-dementia syndrome. Last evaluated: 2023-04-01. Review status: criteria provided, single submitter. Criteria: Invitae Variant Classification Sherloc (09022015). Collection method: clinical testing. Allele origin: germline.
Comment: This sequence change replaces asparagine, which is neutral and polar, with isoleucine, which is neutral and non-polar, at codon 111 of the DNMT1 protein (p.Asn111Ile). This variant is not present in population databases (gnomAD no frequency). This variant has not been reported in the literature in individuals affected with DNMT1-related conditions. Algorithms developed to predict the effect of missense changes on protein structure and function output the following: SIFT: "Not Available"; PolyPhen-2: "Benign"; Align-GVGD: "Not Available". The isoleucine amino acid residue is found in multiple mammalian species, which suggests that this missense change does not adversely affect protein function. In summary, the available evidence is currently insufficient to determine the role of this variant in disease. Therefore, it has been classified as a Variant of Uncertain Significance.